The following is an entry in ClinVar:

ClinVar aggregate classification (germline): Uncertain significance. Review status: criteria provided, multiple submitters, no conflicts (2 of 4 stars). 2 submissions from 2 submitters: Uncertain significance (2). Last evaluated 2026-07-06.

Conditions:
Neuroblastoma, susceptibility to, 2. Identifiers: Orphanet 635, MedGen C2751682, MONDO:0700041, OMIM 613013.
Hereditary cancer-predisposing syndrome. Also called: Neoplastic Syndromes, Hereditary; Tumor predisposition; Hereditary Cancer Syndrome; Hereditary neoplastic syndrome. Identifiers: Orphanet 140162, MedGen C0027672, MeSH D009386, MONDO:0015356.

Submissions (2):

Ambry Genetics
Classification: Uncertain significance for Hereditary cancer-predisposing syndrome. Last evaluated: 2026-07-06. Review status: criteria provided, single submitter. Criteria: Ambry Variant Classification Scheme 2023. Collection method: clinical testing. Allele origin: germline.
Comment: The p.G209R variant (also known as c.625G>A), located in coding exon 3 of the PHOX2B gene, results from a G to A substitution at nucleotide position 625. The glycine at codon 209 is replaced by arginine, an amino acid with dissimilar properties. This amino acid position is conserved. In addition, the in silico prediction for this alteration is inconclusive. Based on the available evidence, the clinical significance of this variant remains unclear.

Baylor Genetics
Classification: Uncertain significance for Neuroblastoma, susceptibility to, 2. Last evaluated: 2024-01-18. Review status: criteria provided, single submitter. Criteria: ACMG Guidelines, 2015. Collection method: clinical testing. Allele origin: unknown.

NM_003924.4(PHOX2B):c.625G>A (p.Gly209Arg)

Gene: PHOX2B (paired like homeobox 2B; minus strand). Cytogenetic location: 4p13.
Variant type: single nucleotide variant.
Coding change: c.625G>A on transcript NM_003924.4 (MANE Select); coding-DNA position 625, G replaced by A.
Protein change: p.Gly209Arg; replaces glycine 209 with arginine.
Molecular consequence: missense variant.
Genome position (GRCh38, 1-based): chr4:41,746,127, C>T on the plus strand (G>A on the coding strand, the complement: PHOX2B is on the minus strand). VCF-style: chr4-41746127-C-T. GRCh37 (hg19) VCF-style: chr4-41748144-C-T.
Other names: short protein forms G209R.
Identifiers: ClinVar variation 3240115 (VCV003240115.2), dbSNP rs2552096853.